The following is an entry in ClinVar:

NM_000344.4(SMN1):c.803A>G (p.Tyr268Cys)

Gene: SMN1 (survival of motor neuron 1, telomeric). Cytogenetic location: 5q13.2.
Variant type: single nucleotide variant.
Coding change: c.803A>G on transcript NM_000344.4 (MANE Select); coding-DNA position 803, A replaced by G.
Protein change: p.Tyr268Cys; replaces tyrosine 268 with cysteine.
Molecular consequence: missense variant.
Genome position (GRCh38, 1-based): chr5:70,946,145, A>G. VCF-style: chr5-70946145-A-G. GRCh37 (hg19) VCF-style: chr5-70241972-A-G.
Other names: c.803A>G, p.Tyr268Cys (NM_001297715.1); c.707A>G, p.Tyr236Cys (NM_022874.2); short protein forms Y268C, Y236C.
Identifiers: ClinVar variation 448430 (VCV000448430.4), dbSNP rs1554082113, ClinGen allele CA360097121.

ClinVar aggregate classification (germline): Conflicting classifications of pathogenicity. Review status: criteria provided, conflicting classifications (1 of 4 stars). 2 submissions from 2 submitters: Likely pathogenic (1); Uncertain significance (1). Last evaluated 2022-02-02.

Conditions:
Spinal muscular atrophy (SMA). Identifiers: MedGen C0026847, MeSH D009134, MONDO:0001516, HP:0007269.

Submissions (2):

Victorian Clinical Genetics Services, Murdoch Childrens Research Institute
Classification: Likely pathogenic for Spinal muscular atrophy. Last evaluated: 2022-02-02. Review status: criteria provided, single submitter. Criteria: ACMG Guidelines, 2015. Collection method: clinical testing. Allele origin: germline. Inheritance: Autosomal recessive inheritance. Affected: yes.
Comment: Based on the classification scheme VCGS_Germline_v1.3.4, this variant is classified as Likely pathogenic. Following criteria are met: 0102 - Loss of function is a known mechanism of disease in this gene and is associated with spinal muscular atrophy. (I) 0106 - This gene is associated with autosomal recessive disease. (I) 0200 - Variant is predicted to result in a missense amino acid change from tyrosine to cysteine. (I) 0253 - This variant is hemizygous. (I) 0301 - Variant is absent from gnomAD (both v2 and v3). (SP) 0501 - Missense variant consistently predicted to be damaging by multiple in silico tools or highly conserved with a major amino acid change. (SP) 0602 - Variant is located in a hotspot region or cluster of pathogenic variants. This variant is located in the YG-box domain and part of a conserved tyrosine side chain motif (PMID: 23022347). The YG-box domain is part of the critical C-terminal domain which enables self-association, governs stability and facilitates subcellular localization of SMN (PMID: 27481219). A cluster of pathogenic variants have been reported in exon 7 (ClinVar). (SP) 0705 - No comparable missense variants have previous evidence for pathogenicity. (I) 0809 - Previous evidence of pathogenicity for this variant is inconclusive. This variant has been reported as a VUS in ClinVar. (I) 0905 - No published segregation evidence has been identified for this variant. (I) 1007 - No published functional evidence has been identified for this variant. (I) 1201 - Heterozygous variant detected in trans with a second pathogenic heterozygous variant (exon 7 SMN1 deletion) in a recessive disease. (I) Legend: (SP) - Supporting pathogenic, (I) - Information, (SB) - Supporting benign

Athena Diagnostics
Classification: Uncertain significance. Last evaluated: 2017-05-30. Review status: criteria provided, single submitter. Criteria: Athena Diagnostics Criteria. Collection method: clinical testing. Allele origin: germline.

Literature cited by the submitters: PubMed 23022347 (cited by Victorian Clinical Genetics Services, Murdoch Childrens Research Institute); PubMed 27481219 (cited by Victorian Clinical Genetics Services, Murdoch Childrens Research Institute).